The following is an entry in ClinVar:

NM_001077350.3(NPRL3):c.1205T>C (p.Leu402Pro)

Genes: HBA-LCR (alpha-globin locus control region; plus strand), NPRL3 (NPR3 like, GATOR1 complex subunit; minus strand). Cytogenetic location: 16p13.3.
Variant type: single nucleotide variant.
Coding change: c.1205T>C on transcript NM_001077350.3 (MANE Select); coding-DNA position 1205, T replaced by C.
Protein change: p.Leu402Pro; replaces leucine 402 with proline.
Molecular consequence: missense variant.
Genome position (GRCh38, 1-based): chr16:89,859, A>G on the plus strand (T>C on the coding strand, the complement: NPRL3 is on the minus strand). VCF-style: chr16-89859-A-G. GRCh37 (hg19) VCF-style: chr16-139857-A-G.
Other names: c.668T>C, p.Leu223Pro (NM_001039476.3); c.971T>C, p.Leu324Pro (NM_001243247.2); c.1130T>C, p.Leu377Pro (NM_001243248.2, NM_001243249.2); short protein forms L377P, L223P, L324P, L402P.
Identifiers: ClinVar variation 2746587 (VCV002746587.4), dbSNP rs2542804547, ClinGen allele CA394051386.

ClinVar aggregate classification (germline): Uncertain significance. Review status: criteria provided, multiple submitters, no conflicts (2 of 4 stars). 2 submissions from 2 submitters: Uncertain significance (2). Last evaluated 2025-12-02.

Conditions:
Epilepsy, familial focal, with variable foci 3 (FFEVF3). Identifiers: MedGen C4310708, MONDO:0014925, OMIM 617118.
Epilepsy. Also called: Seizure disorder. Identifiers: MedGen C0014544, MeSH D004827, MONDO:0005027.

Submissions (2):

Clinical Genetics Laboratory, Skane University Hospital Lund
Classification: Uncertain significance for Epilepsy. Last evaluated: 2025-12-02. Review status: criteria provided, single submitter. Criteria: ACMG Guidelines, 2015. Collection method: clinical testing. Allele origin: germline. Affected: yes.
Comment: PM2, PP3

Labcorp Genetics (formerly Invitae), Labcorp
Classification: Uncertain significance for Epilepsy, familial focal, with variable foci 3. Last evaluated: 2023-07-25. Review status: criteria provided, single submitter. Criteria: Invitae Variant Classification Sherloc (09022015). Collection method: clinical testing. Allele origin: germline.
Comment: This variant is not present in population databases (gnomAD no frequency). In summary, the available evidence is currently insufficient to determine the role of this variant in disease. Therefore, it has been classified as a Variant of Uncertain Significance. Advanced modeling of protein sequence and biophysical properties (such as structural, functional, and spatial information, amino acid conservation, physicochemical variation, residue mobility, and thermodynamic stability) performed at Invitae indicates that this missense variant is expected to disrupt NPRL3 protein function. This variant has not been reported in the literature in individuals affected with NPRL3-related conditions. This sequence change replaces leucine, which is neutral and non-polar, with proline, which is neutral and non-polar, at codon 402 of the NPRL3 protein (p.Leu402Pro).